The following is an entry in ClinVar:

ClinVar aggregate classification (germline): Uncertain significance. Review status: criteria provided, multiple submitters, no conflicts (2 of 4 stars). 2 submissions from 2 submitters: Uncertain significance (2). Last evaluated 2025-08-05.

Conditions:
Retinoblastoma (RB1). Also called: RETINOBLASTOMA, SOMATIC. Identifiers: Orphanet 790, MedGen C0035335, MeSH D012175, MONDO:0008380, OMIM 180200, HP:0009919. Disease mechanism: loss of function. Inheritance: Both sporadic and heritable forms are tested..
Hereditary cancer-predisposing syndrome. Also called: Tumor predisposition; Neoplastic Syndromes, Hereditary; Hereditary Cancer Syndrome; Hereditary neoplastic syndrome. Identifiers: Orphanet 140162, MedGen C0027672, MeSH D009386, MONDO:0015356.

Submissions (2):

Ambry Genetics
Classification: Uncertain significance for Hereditary cancer-predisposing syndrome. Last evaluated: 2025-08-05. Review status: criteria provided, single submitter. Criteria: Ambry Variant Classification Scheme 2023. Collection method: clinical testing. Allele origin: germline.
Comment: The p.M495I variant (also known as c.1485G>A), located in coding exon 16 of the RB1 gene, results from a G to A substitution at nucleotide position 1485. The methionine at codon 495 is replaced by isoleucine, an amino acid with highly similar properties. This amino acid position is conserved. In addition, the in silico prediction for this alteration is inconclusive. Based on the available evidence, the clinical significance of this variant remains unclear.

Labcorp Genetics (formerly Invitae), Labcorp
Classification: Uncertain significance for Retinoblastoma. Last evaluated: 2024-07-21. Review status: criteria provided, single submitter. Criteria: Invitae Variant Classification Sherloc (09022015). Collection method: clinical testing. Allele origin: germline.
Comment: This sequence change replaces methionine, which is neutral and non-polar, with isoleucine, which is neutral and non-polar, at codon 495 of the RB1 protein (p.Met495Ile). This variant is not present in population databases (gnomAD no frequency). This variant has not been reported in the literature in individuals affected with RB1-related conditions. Advanced modeling of protein sequence and biophysical properties (such as structural, functional, and spatial information, amino acid conservation, physicochemical variation, residue mobility, and thermodynamic stability) performed at Invitae indicates that this missense variant is not expected to disrupt RB1 protein function with a negative predictive value of 80%. In summary, the available evidence is currently insufficient to determine the role of this variant in disease. Therefore, it has been classified as a Variant of Uncertain Significance.

NM_000321.3(RB1):c.1485G>A (p.Met495Ile)

Gene: RB1 (RB transcriptional corepressor 1; plus strand). Cytogenetic location: 13q14.2.
Variant type: single nucleotide variant.
Coding change: c.1485G>A on transcript NM_000321.3 (MANE Select); coding-DNA position 1485, G replaced by A.
Protein change: p.Met495Ile; replaces methionine 495 with isoleucine.
Molecular consequence: missense variant.
Genome position (GRCh38, 1-based): chr13:48,380,228, G>A. VCF-style: chr13-48380228-G-A. GRCh37 (hg19) VCF-style: chr13-48954364-G-A.
Other names: c.1485G>A, p.Met495Ile (NM_001407165.1, NM_001407166.1); short protein forms M495I.
Identifiers: ClinVar variation 3692512 (VCV003692512.3).